The following is an entry in ClinVar:

ClinVar aggregate classification (germline): Conflicting classifications of pathogenicity. Review status: criteria provided, conflicting classifications (1 of 4 stars). 2 submissions from 2 submitters: Uncertain significance (1); Likely benign (1). Last evaluated 2022-12-13.

Conditions:
Inborn genetic diseases. Identifiers: MedGen C0950123, MeSH D030342.

Allele frequency attached by ClinVar (database versions not stated): gnomAD exomes 0.00001; ExAC 0.00002; gnomAD 0.00002; TOPMed 0.00002; ESP Exome Variant Server 0.00008.
gnomAD v4.1: 18 of 1,614,022 alleles (0.0011%); highest among the groups gnomAD compares: East Asian, 0.033%; no homozygotes.

Submissions (2):

Ambry Genetics
Classification: Likely benign for Inborn genetic diseases. Last evaluated: 2022-12-13. Review status: criteria provided, single submitter. Criteria: Ambry Variant Classification Scheme 2023. Collection method: clinical testing. Allele origin: germline.

Labcorp Genetics (formerly Invitae), Labcorp
Classification: Uncertain significance. Last evaluated: 2022-05-24. Review status: criteria provided, single submitter. Criteria: Invitae Variant Classification Sherloc (09022015). Collection method: clinical testing. Allele origin: germline.
Comment: In summary, the available evidence is currently insufficient to determine the role of this variant in disease. Therefore, it has been classified as a Variant of Uncertain Significance. Algorithms developed to predict the effect of missense changes on protein structure and function output the following: SIFT: "Tolerated"; PolyPhen-2: "Benign"; Align-GVGD: "Class C0". The valine amino acid residue is found in multiple mammalian species, which suggests that this missense change does not adversely affect protein function. This variant has not been reported in the literature in individuals affected with PTDSS1-related conditions. This variant is present in population databases (rs370004918, gnomAD 0.07%), and has an allele count higher than expected for a pathogenic variant. This sequence change replaces leucine, which is neutral and non-polar, with valine, which is neutral and non-polar, at codon 129 of the PTDSS1 protein (p.Leu129Val).

NM_014754.3(PTDSS1):c.385C>G (p.Leu129Val)

Gene: PTDSS1 (phosphatidylserine synthase 1; plus strand). Cytogenetic location: 8q22.1.
Variant type: single nucleotide variant.
Coding change: c.385C>G on transcript NM_014754.3 (MANE Select); coding-DNA position 385, C replaced by G.
Protein change: p.Leu129Val; replaces leucine 129 with valine.
Molecular consequence: missense variant. On other transcripts: intron variant (1).
Genome position (GRCh38, 1-based): chr8:96,287,090, C>G. VCF-style: chr8-96287090-C-G. GRCh37 (hg19) VCF-style: chr8-97299318-C-G.
Other names: c.4-8008C>G (NM_001290225.2); short protein forms L129V.
Identifiers: ClinVar variation 1909191 (VCV001909191.6), dbSNP rs370004918, ClinGen allele CA4816562.